The following is an entry in ClinVar:

ClinVar aggregate classification (germline): Uncertain significance. Review status: criteria provided, multiple submitters, no conflicts (2 of 4 stars). 2 submissions from 2 submitters: Uncertain significance (2). Last evaluated 2025-07-27.

Conditions:
Focal segmental glomerulosclerosis 1 (FSGS1). Identifiers: Orphanet 656, MedGen C4551527, MONDO:0011303, OMIM 603278.

Allele frequency attached by ClinVar (database versions not stated): gnomAD exomes below 0.00001 and 0.00001; TOPMed below 0.00001; gnomAD 0.00001.
gnomAD v4.1: 8 of 1,613,526 alleles (0.0005%); highest among the groups gnomAD compares: East Asian, 0.0022%; no homozygotes.

Submissions (2):

Labcorp Genetics (formerly Invitae), Labcorp
Classification: Uncertain significance. Last evaluated: 2025-07-27. Review status: criteria provided, single submitter. Criteria: Invitae Variant Classification Sherloc (09022015). Collection method: clinical testing. Allele origin: germline.
Comment: This sequence change replaces arginine, which is basic and polar, with histidine, which is basic and polar, at codon 536 of the ACTN4 protein (p.Arg536His). This variant is present in population databases (no rsID available, gnomAD 0.006%). This variant has not been reported in the literature in individuals affected with ACTN4-related conditions. ClinVar contains an entry for this variant (Variation ID: 1034128). Invitae Evidence Modeling of protein sequence and biophysical properties (such as structural, functional, and spatial information, amino acid conservation, physicochemical variation, residue mobility, and thermodynamic stability) indicates that this missense variant is expected to disrupt ACTN4 protein function with a positive predictive value of 80%. In summary, the available evidence is currently insufficient to determine the role of this variant in disease. Therefore, it has been classified as a Variant of Uncertain Significance.

Baylor Genetics
Classification: Uncertain significance for Focal segmental glomerulosclerosis 1. Last evaluated: 2018-02-14. Review status: criteria provided, single submitter. Criteria: ACMG Guidelines, 2015. Collection method: clinical testing. Allele origin: maternal. Affected: yes.
Comment: This variant was determined to be of uncertain significance according to ACMG Guidelines, 2015 [PMID:25741868].

NM_004924.6(ACTN4):c.1607G>A (p.Arg536His)

Gene: ACTN4 (actinin alpha 4; plus strand). Cytogenetic location: 19q13.2.
Variant type: single nucleotide variant.
Coding change: c.1607G>A on transcript NM_004924.6 (MANE Select); coding-DNA position 1607, G replaced by A.
Protein change: p.Arg536His; replaces arginine 536 with histidine.
Molecular consequence: missense variant.
Genome position (GRCh38, 1-based): chr19:38,723,992, G>A. VCF-style: chr19-38723992-G-A. GRCh37 (hg19) VCF-style: chr19-39214632-G-A.
Other names: c.1607G>A, p.Arg536His (NM_001322033.2); short protein forms R536H.
Identifiers: ClinVar variation 1034128 (VCV001034128.2), dbSNP rs1388506902, ClinGen allele CA405694674.
Genomic context (GRCh38, chr19:38,723,992, plus strand): 5'-ACTAGAAAACAGAGAAGCAGCTGGAGGCCATCGACCAGCTGCACCTGGAATACGCCAAGC[G>A]CGCGGCCCCCTTCAACAACTGGATGGAGAGCGCCATGGAGGACCTCCAGGACATGTTCAT-3'
Protein context (NP_004915.2, residues 526-546): IDQLHLEYAK[Arg536His]AAPFNNWMES